The following is an entry in ClinVar:

ClinVar aggregate classification (germline): Uncertain significance (1 of 4 stars; one submission).

gnomAD v4.1: 2 of 1,614,152 alleles (0.00012%); highest among the groups gnomAD compares: Non-Finnish European, 0.00017%; no homozygotes.

Submission:

Labcorp Genetics (formerly Invitae), Labcorp
Classification: Uncertain significance. Last evaluated: 2022-03-03. Review status: criteria provided, single submitter. Criteria: Invitae Variant Classification Sherloc (09022015). Collection method: clinical testing. Allele origin: germline.
Comment: In summary, the available evidence is currently insufficient to determine the role of this variant in disease. Therefore, it has been classified as a Variant of Uncertain Significance. Algorithms developed to predict the effect of missense changes on protein structure and function (SIFT, PolyPhen-2, Align-GVGD) all suggest that this variant is likely to be tolerated. This variant has not been reported in the literature in individuals affected with TMEM107-related conditions. This variant is not present in population databases (gnomAD no frequency). This sequence change replaces glutamic acid, which is acidic and polar, with aspartic acid, which is acidic and polar, at codon 109 of the TMEM107 protein (p.Glu109Asp).

NM_183065.4(TMEM107):c.309G>C (p.Glu103Asp)

Genes: TMEM107 (transmembrane protein 107; minus strand), LOC105371520 (uncharacterized LOC105371520; plus strand). Cytogenetic location: 17p13.1.
Variant type: single nucleotide variant.
Coding change: c.309G>C on transcript NM_183065.4 (MANE Select); coding-DNA position 309, G replaced by C.
Protein change: p.Glu103Asp; replaces glutamic acid 103 with aspartic acid.
Molecular consequence: missense variant. On other transcripts: intron variant (1).
Genome position (GRCh38, 1-based): chr17:8,174,564, C>G on the plus strand (G>C on the coding strand, the complement: TMEM107 is on the minus strand). VCF-style: chr17-8174564-C-G. GRCh37 (hg19) VCF-style: chr17-8077882-C-G.
Other names: c.327G>C, p.Glu109Asp (NM_001351278.2, NM_032354.5); c.309G>C, p.Glu103Asp (NM_001351279.2); c.156-292G>C (NM_001351280.2); short protein forms E109D, E103D.
Identifiers: ClinVar variation 1374512 (VCV001374512.8), dbSNP rs2151449324, ClinGen allele CA397970117.